The following is an entry in ClinVar:

ClinVar aggregate classification (germline): Uncertain significance (1 of 4 stars; one submission).

gnomAD v4.1: 2 of 1,614,200 alleles (0.00012%); highest among the groups gnomAD compares: Non-Finnish European, 0.00017%; no homozygotes.

Submission:

Ambry Genetics
Classification: Uncertain significance. Last evaluated: 2024-08-19. Review status: criteria provided, single submitter. Criteria: Ambry Variant Classification Scheme 2023. Collection method: clinical testing. Allele origin: germline.
Comment: The p.Q888P variant (also known as c.2663A>C), located in coding exon 1 of the MLH3 gene, results from an A to C substitution at nucleotide position 2663. The glutamine at codon 888 is replaced by proline, an amino acid with similar properties. This amino acid position is conserved. In addition, this alteration is predicted to be tolerated by in silico analysis. Based on the available evidence, the clinical significance of this variant remains unclear.

NM_001040108.2(MLH3):c.2663A>C (p.Gln888Pro)

Gene: MLH3 (mutL homolog 3; minus strand). Cytogenetic location: 14q24.3.
Variant type: single nucleotide variant.
Coding change: c.2663A>C on transcript NM_001040108.2 (MANE Select); coding-DNA position 2663, A replaced by C.
Protein change: p.Gln888Pro; replaces glutamine 888 with proline.
Molecular consequence: missense variant.
Genome position (GRCh38, 1-based): chr14:75,046,993, T>G on the plus strand (A>C on the coding strand, the complement: MLH3 is on the minus strand). VCF-style: chr14-75046993-T-G. GRCh37 (hg19) VCF-style: chr14-75513696-T-G.
Other names: c.2663A>C, p.Gln888Pro (NM_014381.3); short protein forms Q888P.
Identifiers: ClinVar variation 3396693 (VCV003396693.1).